The following is an entry in ClinVar:

NM_001011658.4(TRAPPC2):c.144C>T (p.Leu48=)

Genes: OFD1 (OFD1 centriole and centriolar satellite protein; plus strand), TRAPPC2 (trafficking protein particle complex subunit 2; minus strand). Cytogenetic location: Xp22.2.
Variant type: single nucleotide variant.
Coding change: c.144C>T on transcript NM_001011658.4 (MANE Select); coding-DNA position 144, C replaced by T.
Protein change: p.Leu48=; no amino-acid change (leucine 48 retained).
Molecular consequence: synonymous variant.
Genome position (GRCh38, 1-based): chrX:13,716,628, G>A on the plus strand (C>T on the coding strand, the complement: TRAPPC2 is on the minus strand). VCF-style: chrX-13716628-G-A. GRCh37 (hg19) VCF-style: chrX-13734747-G-A.
Other names: c.246C>T, p.Leu82= (NM_001128835.3); c.144C>T, p.Leu48= (NM_014563.6).
Identifiers: ClinVar variation 1968214 (VCV001968214.5), dbSNP rs1210317037, ClinGen allele CA515460561.

ClinVar aggregate classification (germline): Uncertain significance (1 of 4 stars; one submission).

Submission:

Labcorp Genetics (formerly Invitae), Labcorp
Classification: Uncertain significance. Last evaluated: 2022-12-22. Review status: criteria provided, single submitter. Criteria: Invitae Variant Classification Sherloc (09022015). Collection method: clinical testing. Allele origin: germline.
Comment: In summary, the available evidence is currently insufficient to determine the role of this variant in disease. Therefore, it has been classified as a Variant of Uncertain Significance. Algorithms developed to predict the effect of sequence changes on RNA splicing suggest that this variant may create or strengthen a splice site. This variant has not been reported in the literature in individuals affected with TRAPPC2-related conditions. This variant is not present in population databases (gnomAD no frequency). This sequence change affects codon 48 of the TRAPPC2 mRNA. It is a 'silent' change, meaning that it does not change the encoded amino acid sequence of the TRAPPC2 protein.